The following is an entry in ClinVar:

ClinVar aggregate classification (germline): Uncertain significance (1 of 4 stars; one submission).

Conditions:
Long QT syndrome (LQTS). Identifiers: MedGen C0023976, MeSH D008133, MONDO:0002442. Disease mechanism: loss of function. Inheritance: Various modes of inheritance.

Allele frequency attached by ClinVar (database versions not stated): gnomAD exomes 0.00001.
gnomAD v4.1: 4 of 1,611,040 alleles (0.00025%); highest among the groups gnomAD compares: Non-Finnish European, 0.00025%; no homozygotes.

Submission:

All of Us Research Program, National Institutes of Health
Classification: Uncertain significance for Long QT syndrome. Last evaluated: 2023-10-23. Review status: criteria provided, single submitter. Criteria: ACMG Guidelines, 2015. Collection method: clinical testing. Allele origin: germline. Inheritance: Autosomal dominant inheritance. Observed: 1 variant allele, 1 heterozygote.
Comment: This variant causes a T to A nucleotide substitution at the -7 position of intron 4 of the KCNQ1 gene. To our knowledge, functional studies have not been reported for this variant. This variant has not been reported in individuals affected with KCNQ1-related disorders in the literature. This variant has not been identified in the general population by the Genome Aggregation Database (gnomAD). The available evidence is insufficient to determine the role of this variant in disease conclusively. Therefore, this variant is classified as a Variant of Uncertain Significance.

This study involves interpretation of variants in research participants for the purpose of population health screening. Participant phenotype was not available at the time of variant classification. Additional details can be found in publication PMID: 35346344, PMCID: PMC8962531

NM_000218.3(KCNQ1):c.684-7T>A

Gene: KCNQ1 (potassium voltage-gated channel subfamily Q member 1; plus strand). Cytogenetic location: 11p15.5.
Variant type: single nucleotide variant.
Coding change: c.684-7T>A on transcript NM_000218.3 (MANE Select); 7 bases into the intron before coding-DNA position 684, T replaced by A.
Molecular consequence: intron variant.
Genome position (GRCh38, 1-based): chr11:2,572,006, T>A. VCF-style: chr11-2572006-T-A. GRCh37 (hg19) VCF-style: chr11-2593236-T-A.
Other names: c.414-7T>A (NM_001406837.1); c.684-7T>A (NM_001406836.1); c.478-11429T>A (NM_001406838.1); c.303-7T>A (NM_181798.2).
Identifiers: ClinVar variation 3074046 (VCV003074046.1), dbSNP rs2493671415, ClinGen allele CA2612003829.